The following is an entry in ClinVar:

NM_001114753.3(ENG):c.816+5G>C

Gene: ENG (endoglin; minus strand). Cytogenetic location: 9q34.11.
Variant type: single nucleotide variant.
Coding change: c.816+5G>C on transcript NM_001114753.3 (MANE Select); 5 bases into the intron after coding-DNA position 816, G replaced by C.
Molecular consequence: intron variant.
Genome position (GRCh38, 1-based): chr9:127,825,226, C>G on the plus strand (G>C on the coding strand, the complement: ENG is on the minus strand). VCF-style: chr9-127825226-C-G. GRCh37 (hg19) VCF-style: chr9-130587505-C-G.
Other names: c.816+5G>C (NM_000118.4, NM_001406715.1); c.270+5G>C (NM_001278138.2).
Identifiers: ClinVar variation 1762230 (VCV001762230.2), dbSNP rs2539073850, ClinGen allele CA2580079651.

ClinVar aggregate classification (germline): Likely pathogenic (1 of 4 stars; one submission).

Conditions:
Cardiovascular phenotype. Identifiers: MedGen CN230736.

Submission:

Ambry Genetics
Classification: Likely pathogenic for Cardiovascular phenotype. Last evaluated: 2015-05-07. Review status: criteria provided, single submitter. Criteria: Ambry Variant Classification Scheme 2023. Collection method: clinical testing. Allele origin: germline.
Comment: The c.816+5G>C intronic variant results from a G to C substitution 5 nucleotides after coding exon 6 in the ENG gene. In one study, two patients with a diagnosis of hereditary hemorrhagic telangiectasia (HHT) without symptoms of pulmonary arterial hypertension (PAH) were observed to have this variant (referred to as g.IVS6+5g>c in this study) (Oliveri C et al. Genet Med. 2006;8(3):183-90). In another study, one patient with HHT was reported with this variant, however further clinical information was not provided (Lux et al. Orphanet J Rare Dis. 2013;8:94). This variant was not reported in population based cohorts in the following databases: Database of Single Nucleotide Polymorphisms (dbSNP), NHLBI Exome Sequencing Project (ESP), and 1000 Genomes Project. In the ESP, this variant was not observed in 6503 samples (13006 alleles) with coverage at this position. Based on nucleotide sequence alignment, this position is highly conserved in available vertebrate species. Using BDGP and ESEfinder splice site prediction tools, this alteration is predicted by BDGP to abolish the native donor splice site, but is predicted to weaken (but not abolish) the efficacy of the native donor splice site by ESEfinder; however, direct evidence is unavailable. Based on the majority of available evidence to date, this variant is likely to be pathogenic.

Literature cited by the submitters: PubMed 16540754.